The following is an entry in ClinVar:

NM_018294.6(CWF19L1):c.1241A>G (p.His414Arg)

Gene: CWF19L1 (CWF19 like cell cycle control factor 1; minus strand). Cytogenetic location: 10q24.31.
Variant type: single nucleotide variant.
Coding change: c.1241A>G on transcript NM_018294.6 (MANE Select); coding-DNA position 1241, A replaced by G.
Protein change: p.His414Arg; replaces histidine 414 with arginine.
Molecular consequence: missense variant.
Genome position (GRCh38, 1-based): chr10:100,238,035, T>C on the plus strand (A>G on the coding strand, the complement: CWF19L1 is on the minus strand). VCF-style: chr10-100238035-T-C. GRCh37 (hg19) VCF-style: chr10-101997792-T-C.
Other names: c.1241A>G, p.His414Arg (NM_001303404.2); c.830A>G, p.His277Arg (NM_001303405.2, NM_001303406.2); c.506A>G, p.His169Arg (NM_001303407.2); short protein forms H169R, H277R, H414R.
Identifiers: ClinVar variation 4855304 (VCV004855304.1).

ClinVar aggregate classification (germline): Uncertain significance (1 of 4 stars; one submission).

Conditions:
Autosomal recessive spinocerebellar ataxia 17. Identifiers: Orphanet 453521, MedGen C4015301, MONDO:0014503, OMIM 616127.

Submission:

3billion
Classification: Uncertain significance for Autosomal recessive spinocerebellar ataxia 17. Last evaluated: 2025-11-19. Review status: criteria provided, single submitter. Criteria: ACMG Guidelines, 2015. Collection method: clinical testing. Allele origin: germline. Affected: yes.
Comment: The variant is observed at an extremely low frequency in the gnomAD v4.1.0 dataset (total allele frequency: <0.001%). Predicted Consequence/Location: Missense variant. The majority of the known disease-causing variants of this gene are variants expected to result in premature termination of the protein. In silico tool prediction suggests damaging effect of the variant on gene or gene product [REVEL: 0.84 (>=0.6, sensitivity 0.68 and specificity 0.92)]. Therefore, this variant is classified as VUS according to the recommendation of ACMG/AMP guideline.